The following is an entry in ClinVar:

ClinVar aggregate classification (germline): Pathogenic (1 of 4 stars; one submission).

Conditions:
Nephronophthisis 16 (NPHP16). Identifiers: MedGen C3809320, MONDO:0014158, OMIM 615382, Orphanet 655.

Submission:

Labcorp Genetics (formerly Invitae), Labcorp
Classification: Pathogenic for Nephronophthisis 16. Last evaluated: 2017-12-01. Review status: criteria provided, single submitter. Criteria: Invitae Variant Classification Sherloc (09022015). Collection method: clinical testing. Allele origin: germline.
Comment: This sequence change creates a premature translational stop signal (p.Gln243*) in the ANKS6 gene. It is expected to result in an absent or disrupted protein product. This variant is not present in population databases (ExAC no frequency). This variant has not been reported in the literature in individuals with ANKS6-related disease. Loss-of-function variants in ANKS6 are known to be pathogenic (PMID: 23793029, 25599650). For these reasons, this variant has been classified as Pathogenic.

Literature cited by the submitters: PubMed 23793029; PubMed 25599650.

NM_173551.5(ANKS6):c.727C>T (p.Gln243Ter)

Gene: ANKS6 (ankyrin repeat and sterile alpha motif domain containing 6; minus strand). Cytogenetic location: 9q22.33.
Variant type: single nucleotide variant.
Coding change: c.727C>T on transcript NM_173551.5 (MANE Select); coding-DNA position 727, C replaced by T.
Protein change: p.Gln243Ter; replaces glutamine 243 with a stop codon.
Molecular consequence: nonsense.
Genome position (GRCh38, 1-based): chr9:98,790,239, G>A on the plus strand (C>T on the coding strand, the complement: ANKS6 is on the minus strand). VCF-style: chr9-98790239-G-A. GRCh37 (hg19) VCF-style: chr9-101552521-G-A.
Other names: short protein forms Q243*.
Identifiers: ClinVar variation 571622 (VCV000571622.6), dbSNP rs756090222, ClinGen allele CA374218569.